The following is an entry in ClinVar:

ClinVar aggregate classification (germline): Uncertain significance (1 of 4 stars; one submission).

gnomAD v4.1: 7 of 1,211,101 alleles (0.00058%); highest among the groups gnomAD compares: African/African-American, 0.0017%; no homozygotes.

Submission:

GeneDx
Classification: Uncertain significance. Last evaluated: 2024-10-25. Review status: criteria provided, single submitter. Criteria: GeneDx Variant Classification Process June 2021. Collection method: clinical testing. Allele origin: germline. Affected: yes.
Comment: Not observed at significant frequency in large population cohorts (gnomAD); In silico analysis indicates that this missense variant does not alter protein structure/function; Has not been previously published as pathogenic or benign to our knowledge

NM_181672.3(OGT):c.962G>A (p.Arg321His)

Gene: OGT (O-linked N-acetylglucosamine (GlcNAc) transferase; plus strand). Cytogenetic location: Xq13.1.
Variant type: single nucleotide variant.
Coding change: c.962G>A on transcript NM_181672.3 (MANE Select); coding-DNA position 962, G replaced by A.
Protein change: p.Arg321His; replaces arginine 321 with histidine.
Molecular consequence: missense variant.
Genome position (GRCh38, 1-based): chrX:71,555,991, G>A. VCF-style: chrX-71555991-G-A. GRCh37 (hg19) VCF-style: chrX-70775841-G-A.
Other names: c.932G>A, p.Arg311His (NM_181673.3); short protein forms R311H, R321H.
Identifiers: ClinVar variation 3893451 (VCV003893451.1).